The following is an entry in ClinVar:

NM_003151.4(STAT4):c.1238G>C (p.Gly413Ala)

Gene: STAT4 (signal transducer and activator of transcription 4; minus strand). Cytogenetic location: 2q32.2.
Variant type: single nucleotide variant.
Coding change: c.1238G>C on transcript NM_003151.4 (MANE Select); coding-DNA position 1238, G replaced by C.
Protein change: p.Gly413Ala; replaces glycine 413 with alanine.
Molecular consequence: missense variant.
Genome position (GRCh38, 1-based): chr2:191,054,503, C>G on the plus strand (G>C on the coding strand, the complement: STAT4 is on the minus strand). VCF-style: chr2-191054503-C-G. GRCh37 (hg19) VCF-style: chr2-191919229-C-G.
Other names: c.1238G>C, p.Gly413Ala (NM_001243835.2); short protein forms G413A.
Identifiers: ClinVar variation 4780320 (VCV004780320.1).

ClinVar aggregate classification (germline): Uncertain significance (1 of 4 stars; one submission).

Submission:

Labcorp Genetics (formerly Invitae), Labcorp
Classification: Uncertain significance. Last evaluated: 2025-11-18. Review status: criteria provided, single submitter. Criteria: Invitae Variant Classification Sherloc (09022015). Collection method: clinical testing. Allele origin: germline.
Comment: This sequence change replaces glycine, which is neutral and non-polar, with alanine, which is neutral and non-polar, at codon 413 of the STAT4 protein (p.Gly413Ala). This variant is present in population databases (rs772506095, gnomAD 0.0009%). This variant has not been reported in the literature in individuals affected with STAT4-related conditions. An algorithm developed to predict the effect of missense changes on protein structure and function (PolyPhen-2) suggests that this variant is likely to be tolerated. In summary, the available evidence is currently insufficient to determine the role of this variant in disease. Therefore, it has been classified as a Variant of Uncertain Significance.